The following is an entry in ClinVar:

NM_006734.4(HIVEP2):c.2894G>T (p.Arg965Leu)

Gene: HIVEP2 (HIVEP zinc finger 2; minus strand). Cytogenetic location: 6q24.2.
Variant type: single nucleotide variant.
Coding change: c.2894G>T on transcript NM_006734.4 (MANE Select); coding-DNA position 2894, G replaced by T.
Protein change: p.Arg965Leu; replaces arginine 965 with leucine.
Molecular consequence: missense variant.
Genome position (GRCh38, 1-based): chr6:142,771,845, C>A on the plus strand (G>T on the coding strand, the complement: HIVEP2 is on the minus strand). VCF-style: chr6-142771845-C-A. GRCh37 (hg19) VCF-style: chr6-143092982-C-A.
Other names: c.2894G>T, p.Arg965Leu (NM_001438449.1, NM_001438450.1, NM_001438451.1); short protein forms R965L.
Identifiers: ClinVar variation 4527283 (VCV004527283.1).

ClinVar aggregate classification (germline): Uncertain significance (1 of 4 stars; one submission).

Submission:

GeneDx
Classification: Uncertain significance. Last evaluated: 2025-04-24. Review status: criteria provided, single submitter. Criteria: GeneDx Variant Classification Process June 2021. Collection method: clinical testing. Allele origin: germline. Affected: yes.
Comment: Not observed at significant frequency in large population cohorts (gnomAD); In silico analysis supports that this missense variant has a deleterious effect on protein structure/function; Has not been previously published as pathogenic or benign to our knowledge